The following is an entry in ClinVar:

ClinVar aggregate classification (germline): Benign. Review status: criteria provided, multiple submitters, no conflicts (2 of 4 stars). 2 submissions from 2 submitters: Benign (2). Last evaluated 2018-01-13.

Conditions:
Danon disease. Also called: ANTOPOL DISEASE; PSEUDOGLYCOGENOSIS II; GSD IIb; LYSOSOMAL GLYCOGEN STORAGE DISEASE WITHOUT ACID MALTASE DEFICIENCY; Glycogen Storage Disease Type IIb. Identifiers: Orphanet 34587, MedGen C0878677, MONDO:0010281, OMIM 300257.

Allele frequency attached by ClinVar (database versions not stated): gnomAD exomes 0.00126; gnomAD 0.01384 and 0.01447; TOPMed 0.01538; 1000 Genomes Project 30x 0.01665; 1000 Genomes Project 0.01775.
gnomAD v4.1: 2,864 of 1,053,747 alleles (0.27%); highest among the groups gnomAD compares: African/African-American, 4.7%; 55 homozygotes.

Submissions (2):

Illumina Laboratory Services, Illumina
Classification: Benign for Danon disease. Last evaluated: 2018-01-13. Review status: criteria provided, single submitter. Criteria: ICSL Variant Classification Criteria 13 December 2019. Collection method: clinical testing. Allele origin: germline.
Comment: This variant was observed in the ICSL laboratory as part of a predisposition screen in an ostensibly healthy population. It had not been previously curated by ICSL or reported in the Human Gene Mutation Database (HGMD: prior to June 1st, 2018), and was therefore a candidate for classification through an automated scoring system. Utilizing variant allele frequency, disease prevalence and penetrance estimates, and inheritance mode, an automated score was calculated to assess if this variant is too frequent to cause the disease. Based on the score and internal cut-off values, a variant classified as benign is not then subjected to further curation. The score for this variant resulted in a classification of benign for this disease.

Breakthrough Genomics
Classification: Benign. Review status: criteria provided, single submitter. Criteria: ACMG Guidelines, 2015. Collection method: not provided. Allele origin: germline. Inheritance: X-linked inheritance. Affected: yes.

NM_002294.3(LAMP2):c.*2575G>C

Gene: LAMP2 (lysosome associated membrane protein 2; minus strand). Cytogenetic location: Xq24.
Variant type: single nucleotide variant.
Coding change: c.*2575G>C on transcript NM_002294.3 (MANE Select); 2575 bases downstream of the stop codon, G replaced by C.
Molecular consequence: 3 prime UTR variant. On other transcripts: intron variant (1).
Genome position (GRCh38, 1-based): chrX:120,428,748, C>G on the plus strand (G>C on the coding strand, the complement: LAMP2 is on the minus strand). VCF-style: chrX-120428748-C-G. GRCh37 (hg19) VCF-style: chrX-119562603-C-G.
Other names: c.1094-122G>C (NM_001122606.1).
Identifiers: ClinVar variation 912620 (VCV000912620.5), dbSNP rs77126790, ClinGen allele CA335012165.